The following is an entry in ClinVar:

ClinVar aggregate classification (germline): Likely benign. Review status: criteria provided, single submitter (1 of 4 stars). 2 submissions from 2 submitters: Likely benign (1). 1 of the submissions does not count toward it. Last evaluated 2025-05-11.

Conditions:
Xeroderma pigmentosum, group F (XPF). Also called: ERCC4-Related Xeroderma Pigmentosum; XERODERMA PIGMENTOSUM VI; XP, GROUP F; XERODERMA PIGMENTOSUM, TYPE F; Xeroderma pigmentosum, type 6; XERODERMA PIGMENTOSUM, COMPLEMENTATION GROUP F. Identifiers: MedGen C0268140, MONDO:0010215, OMIM 278760.
Fanconi anemia complementation group Q. Identifiers: Orphanet 84, MedGen C3808988, MONDO:0014108, OMIM 615272.
Cockayne syndrome. Identifiers: Orphanet 191, MedGen C0009207, MONDO:0016006.
ERCC4-related disorder. Also called: ERCC4-related condition.

Allele frequency attached by ClinVar (database versions not stated): TOPMed below 0.00001; gnomAD 0.00001; ESP Exome Variant Server 0.00008.
gnomAD v4.1: 3 of 1,614,078 alleles (0.00019%); highest among the groups gnomAD compares: African/African-American, 0.0013%; no homozygotes.

Submissions (2):

Labcorp Genetics (formerly Invitae), Labcorp
Classification: Likely benign for Fanconi anemia complementation group Q; Xeroderma pigmentosum, group F; Cockayne syndrome. Last evaluated: 2025-05-11. Review status: criteria provided, single submitter. Criteria: Invitae Variant Classification Sherloc (09022015). Collection method: clinical testing. Allele origin: germline.

PreventionGenetics, part of Exact Sciences
Classification: Likely benign for ERCC4-related condition. Last evaluated: 2024-02-07. Review status: no assertion criteria provided. Collection method: clinical testing. Allele origin: germline. Not counted in ClinVar's aggregate classification.
Comment: This variant is classified as likely benign based on ACMG/AMP sequence variant interpretation guidelines (Richards et al. 2015 PMID: 25741868, with internal and published modifications).

NM_005236.3(ERCC4):c.426T>A (p.Ser142=)

Gene: ERCC4 (ERCC excision repair 4, endonuclease catalytic subunit; plus strand). Cytogenetic location: 16p13.12.
Variant type: single nucleotide variant.
Coding change: c.426T>A on transcript NM_005236.3 (MANE Select); coding-DNA position 426, T replaced by A.
Protein change: p.Ser142=; no amino-acid change (serine 142 retained).
Molecular consequence: synonymous variant.
Genome position (GRCh38, 1-based): chr16:13,926,598, T>A. VCF-style: chr16-13926598-T-A. GRCh37 (hg19) VCF-style: chr16-14020455-T-A.
Identifiers: ClinVar variation 3058819 (VCV003058819.4), dbSNP rs147455220, ClinGen allele CA7910198.